The following is an entry in ClinVar:

NM_001148.6(ANK2):c.11871G>A (p.Glu3957=)

Gene: ANK2 (ankyrin 2; plus strand). Cytogenetic location: 4q26.
Variant type: single nucleotide variant.
Coding change: c.11871G>A on transcript NM_001148.6 (MANE Select); coding-DNA position 11871, G replaced by A.
Protein change: p.Glu3957=; no amino-acid change (glutamic acid 3957 retained).
Molecular consequence: synonymous variant. On other transcripts: missense variant (2).
Genome position (GRCh38, 1-based): chr4:113,381,468, G>A. VCF-style: chr4-113381468-G-A. GRCh37 (hg19) VCF-style: chr4-114302624-G-A.
Other names: c.5811G>A, p.Glu1937= (NM_001354225.2); c.5793G>A, p.Glu1931= (NM_001354228.2); c.5778G>A, p.Glu1926= (NM_001354230.2); c.5751G>A, p.Glu1917= (NM_001354231.2); c.5745G>A, p.Glu1915= (NM_001354232.2); c.5706G>A, p.Glu1902= (NM_001354235.2); c.5697G>A, p.Glu1899= (NM_001354236.2); c.5694G>A, p.Glu1898= (NM_001354237.2); and 57 more; short protein forms S4127N, S4119N.
Identifiers: ClinVar variation 5021872 (VCV005021872.1).

ClinVar aggregate classification (germline): Uncertain significance (1 of 4 stars; one submission).

Conditions:
Cardiovascular phenotype. Identifiers: MedGen CN230736.

gnomAD v4.1: 6 of 1,614,064 alleles (0.00037%); highest among the groups gnomAD compares: African/African-American, 0.008%; no homozygotes.

Submission:

Ambry Genetics
Classification: Uncertain significance for Cardiovascular phenotype. Last evaluated: 2026-06-23. Review status: criteria provided, single submitter. Criteria: Ambry Variant Classification Scheme 2023. Collection method: clinical testing. Allele origin: germline.
Comment: The c.11871G>A variant (also known as p.E3957E), located in coding exon 46 of the ANK2 gene, results from a G to A substitution at nucleotide position 11871. This nucleotide substitution does not change the amino acid at codon 3957. This nucleotide position is not well conserved in available vertebrate species. In silico splice site analysis for this alteration is inconclusive. Based on the available evidence, the clinical significance of this variant remains unclear.